The following is an entry in ClinVar:

ClinVar aggregate classification (germline): Uncertain significance (1 of 4 stars; one submission).

Allele frequency attached by ClinVar (database versions not stated): gnomAD exomes below 0.00001.
gnomAD v4.1: 1 of 1,614,146 alleles (0.000062%); highest among the groups gnomAD compares: East Asian, 0.0022%; no homozygotes.

Submission:

Labcorp Genetics (formerly Invitae), Labcorp
Classification: Uncertain significance. Last evaluated: 2022-02-21. Review status: criteria provided, single submitter. Criteria: Invitae Variant Classification Sherloc (09022015). Collection method: clinical testing. Allele origin: germline.
Comment: This sequence change falls in intron 22 of the ADAMTS18 gene. It does not directly change the encoded amino acid sequence of the ADAMTS18 protein. It affects a nucleotide within the consensus splice site. This variant is not present in population databases (gnomAD no frequency). This variant has not been reported in the literature in individuals affected with ADAMTS18-related conditions. Variants that disrupt the consensus splice site are a relatively common cause of aberrant splicing (PMID: 17576681, 9536098). Algorithms developed to predict the effect of sequence changes on RNA splicing suggest that this variant may disrupt the consensus splice site. In summary, the available evidence is currently insufficient to determine the role of this variant in disease. Therefore, it has been classified as a Variant of Uncertain Significance.

Literature cited by the submitters: PubMed 17576681; PubMed 9536098.

NM_199355.4(ADAMTS18):c.3550+3A>G

Genes: ADAMTS18 (ADAM metallopeptidase with thrombospondin type 1 motif 18; minus strand), LOC126862407 (CDK7 strongly-dependent group 2 enhancer GRCh37_chr16:77322970-77324169; plus strand). Cytogenetic location: 16q23.1.
Variant type: single nucleotide variant.
Coding change: c.3550+3A>G on transcript NM_199355.4 (MANE Select); 3 bases into the intron after coding-DNA position 3550, A replaced by G.
Molecular consequence: intron variant.
Genome position (GRCh38, 1-based): chr16:77,289,261, T>C on the plus strand (A>G on the coding strand, the complement: ADAMTS18 is on the minus strand). VCF-style: chr16-77289261-T-C. GRCh37 (hg19) VCF-style: chr16-77323158-T-C.
Other names: c.3034+3A>G (NM_001326358.2).
Identifiers: ClinVar variation 2101314 (VCV002101314.4), dbSNP rs2055315454, ClinGen allele CA2234418472.